The following is an entry in ClinVar:

NC_000019.9:g.(?_1387790)_(1388957_?)del

Gene: NDUFS7 (NADH:ubiquinone oxidoreductase core subunit S7; plus strand). Cytogenetic location: 19p13.3.
Variant type: Deletion.
Identifiers: ClinVar variation 1449730 (VCV001449730.5).

ClinVar aggregate classification (germline): Uncertain significance (1 of 4 stars; one submission).

Submission:

Labcorp Genetics (formerly Invitae), Labcorp
Classification: Uncertain significance. Last evaluated: 2022-08-16. Review status: criteria provided, single submitter. Criteria: Invitae Variant Classification Sherloc (09022015). Collection method: clinical testing. Allele origin: germline.
Comment: In summary, the available evidence is currently insufficient to determine the role of this variant in disease. Therefore, it has been classified as a Variant of Uncertain Significance. This variant has not been reported in the literature in individuals affected with NDUFS7-related conditions. This variant is a gross deletion of the genomic region encompassing exon(s) 2-4 of the NDUFS7 gene. This deletion is out-of-frame, and is expected to create a premature translational stop signal and result in an absent or disrupted protein product. However, the current clinical and genetic evidence is not sufficient to establish whether loss-of-function variants in NDUFS7 cause disease.